The following is an entry in ClinVar:

ClinVar aggregate classification (germline): Uncertain significance (1 of 4 stars; one submission).

gnomAD v4.1: 5 of 1,168,809 alleles (0.00043%); highest among the groups gnomAD compares: South Asian, 0.01%; no homozygotes.

Submission:

GeneDx
Classification: Uncertain significance. Last evaluated: 2025-04-02. Review status: criteria provided, single submitter. Criteria: GeneDx Variant Classification Process June 2021. Collection method: clinical testing. Allele origin: germline. Affected: yes.
Comment: In silico analysis indicates that this missense variant does not alter protein structure/function; Has not been previously published as pathogenic or benign to our knowledge

NM_001368397.1(FRMPD4):c.25A>T (p.Ile9Phe)

Gene: FRMPD4 (FERM and PDZ domain containing 4; plus strand). Cytogenetic location: Xp22.2.
Variant type: single nucleotide variant.
Coding change: c.25A>T on transcript NM_001368397.1 (MANE Select); coding-DNA position 25, A replaced by T.
Protein change: p.Ile9Phe; replaces isoleucine 9 with phenylalanine.
Molecular consequence: missense variant. On other transcripts: 5 prime UTR variant (1), intron variant (5).
Genome position (GRCh38, 1-based): chrX:12,138,996, A>T. VCF-style: chrX-12138996-A-T. GRCh37 (hg19) VCF-style: chrX-12157115-A-T.
Other names: c.25A>T, p.Ile9Phe (NM_001368396.3, NM_014728.3); c.-97A>T (NM_001368401.1); c.152+260978A>T (NM_001368398.3, NM_001368395.3); c.-81+73421A>T (NM_001368402.3); c.-80+73421A>T (NM_001368400.3); c.32+1231A>T (NM_001368399.3); short protein forms I9F.
Identifiers: ClinVar variation 4278664 (VCV004278664.1).